The following is an entry in ClinVar:

ClinVar aggregate classification (germline): Likely benign. Review status: criteria provided, multiple submitters, no conflicts (2 of 4 stars). 4 submissions from 4 submitters: Likely benign (3). 1 of the submissions does not count toward it. Last evaluated 2023-03-01.

Conditions:
MBD1-related disorder. Also called: MBD1-related condition.

Allele frequency attached by ClinVar (database versions not stated): 1000 Genomes Project 0.00020; gnomAD 0.00063 and 0.00064; TOPMed 0.00066; ESP Exome Variant Server 0.00115; 1000 Genomes Project 30x 0.00016.
gnomAD v4.1: 2,037 of 1,613,980 alleles (0.13%); highest among the groups gnomAD compares: Non-Finnish European, 0.16%; 4 homozygotes.

Submissions (4):

CeGaT Center for Human Genetics Tuebingen
Classification: Likely benign. Last evaluated: 2023-03-01. Review status: criteria provided, single submitter. Criteria: CeGaT Center For Human Genetics Tuebingen Variant Classification Criteria Version 2. Collection method: clinical testing. Allele origin: germline. Affected: yes. Observed: 1 variant allele.
Comment: MBD1: BP4, BP7

Labcorp Genetics (formerly Invitae), Labcorp
Classification: Likely benign. Last evaluated: 2018-06-14. Review status: criteria provided, single submitter. Criteria: Invitae Variant Classification Sherloc (09022015). Collection method: clinical testing. Allele origin: germline.

Breakthrough Genomics
Classification: Likely benign. Review status: criteria provided, single submitter. Criteria: ACMG Guidelines, 2015. Collection method: not provided. Allele origin: germline. Inheritance: Unknown mechanism. Affected: yes.

PreventionGenetics, part of Exact Sciences
Classification: Likely benign for MBD1-related condition. Last evaluated: 2019-07-12. Review status: no assertion criteria provided. Collection method: clinical testing. Allele origin: germline. Not counted in ClinVar's aggregate classification.
Comment: This variant is classified as likely benign based on ACMG/AMP sequence variant interpretation guidelines (Richards et al. 2015 PMID: 25741868, with internal and published modifications).

NM_015846.4(MBD1):c.1353G>A (p.Pro451=)

Gene: MBD1 (methyl-CpG binding domain protein 1; minus strand). Cytogenetic location: 18q21.1.
Variant type: single nucleotide variant.
Coding change: c.1353G>A on transcript NM_015846.4 (MANE Select); coding-DNA position 1353, G replaced by A.
Protein change: p.Pro451=; no amino-acid change (proline 451 retained).
Molecular consequence: synonymous variant.
Genome position (GRCh38, 1-based): chr18:50,273,657, C>T on the plus strand (G>A on the coding strand, the complement: MBD1 is on the minus strand). VCF-style: chr18-50273657-C-T. GRCh37 (hg19) VCF-style: chr18-47800027-C-T.
Other names: c.1428G>A (NM_001323942.1); c.1353G>A, p.Pro451= (NM_001204136.2, NM_001204139.2, NM_001204142.2 and 7 more transcripts); c.1428G>A, p.Pro476= (NM_001204137.2, NM_001323942.2, NM_001323947.2 and 11 more transcripts); c.1425G>A, p.Pro475= (NM_001204138.2, NM_001388141.1); c.1260G>A, p.Pro420= (NM_001204140.2, NM_001388139.1, NM_001388142.1 and 5 more transcripts); c.1203G>A, p.Pro401= (NM_001204141.2); c.1185G>A, p.Pro395= (NM_001204143.2, NM_001388144.1, NM_001388157.1 and 5 more transcripts); c.1284G>A, p.Pro428= (NM_001204151.3, NM_015845.4); and 6 more.
Identifiers: ClinVar variation 783070 (VCV000783070.29), dbSNP rs139622890, ClinGen allele CA8962851.
Genomic context (GRCh38, chr18:50,273,657, plus strand): 5'-GCCCGGCACCTGCACAGGACTGCTTGCGCCTTCCCGTAAAAACACAAGGTCAGTGCCAGG[C>T]GGGGGCAGCACAAAGCCACCACCTGCTTCCTGCTTCGTTGGAGCCTGGGTATGGTCTGGT-3'
Protein context (NP_056671.2, residues 441-461): QEAGGGFVLP[Pro451=]PGTDLVFLRE